The following is an entry in ClinVar:

NM_006904.7(PRKDC):c.9327T>G (p.Ser3109Arg)

Gene: PRKDC (protein kinase, DNA-activated, catalytic subunit; minus strand). Cytogenetic location: 8q11.21.
Variant type: single nucleotide variant.
Coding change: c.9327T>G on transcript NM_006904.7 (MANE Select); coding-DNA position 9327, T replaced by G.
Protein change: p.Ser3109Arg; replaces serine 3109 with arginine.
Molecular consequence: missense variant.
Genome position (GRCh38, 1-based): chr8:47,820,728, A>C on the plus strand (T>G on the coding strand, the complement: PRKDC is on the minus strand). VCF-style: chr8-47820728-A-C. GRCh37 (hg19) VCF-style: chr8-48733289-A-C.
Other names: c.9327T>G, p.Ser3109Arg (NM_001081640.2); short protein forms S3109R.
Identifiers: ClinVar variation 2102064 (VCV002102064.1), dbSNP rs1310786808, ClinGen allele CA371139244.
Genomic context (GRCh38, chr8:47,820,728, plus strand): 5'-TATATATACACTATATATATACAAGCATATATATATAATATATAGTATTACCTGCATAAA[A>C]CTCTGAATGCCATTTTGAATGTAATATTTGGCTCTGTCAACATCATCTTGCAGGAGGTAA-3'
Protein context (NP_008835.5, residues 3099-3119): AKYYIQNGIQ[Ser3109Arg]FMQNYSSIDV

ClinVar aggregate classification (germline): Uncertain significance (1 of 4 stars; one submission).

Conditions:
Severe combined immunodeficiency due to DNA-PKcs deficiency. Also called: IMMUNODEFICIENCY 26 WITH NEUROLOGIC ABNORMALITIES; Immunodeficiency 26 with or without neurologic abnormalities. Identifiers: Orphanet 317425, MedGen C4014833, MONDO:0014423, OMIM 615966.

Submission:

Labcorp Genetics (formerly Invitae), Labcorp
Classification: Uncertain significance for Severe combined immunodeficiency due to DNA-PKcs deficiency. Last evaluated: 2022-08-16. Review status: criteria provided, single submitter. Criteria: Invitae Variant Classification Sherloc (09022015). Collection method: clinical testing. Allele origin: germline.
Comment: This sequence change replaces serine, which is neutral and polar, with arginine, which is basic and polar, at codon 3109 of the PRKDC protein (p.Ser3109Arg). This variant is not present in population databases (gnomAD no frequency). This variant has not been reported in the literature in individuals affected with PRKDC-related conditions. Experimental studies and prediction algorithms are not available or were not evaluated, and the functional significance of this variant is currently unknown. In summary, the available evidence is currently insufficient to determine the role of this variant in disease. Therefore, it has been classified as a Variant of Uncertain Significance.